The following is an entry in ClinVar:

NM_003738.5(PTCH2):c.1913C>G (p.Pro638Arg)

Gene: PTCH2 (patched 2; minus strand). Cytogenetic location: 1p34.1.
Variant type: single nucleotide variant.
Coding change: c.1913C>G on transcript NM_003738.5 (MANE Select); coding-DNA position 1913, C replaced by G.
Protein change: p.Pro638Arg; replaces proline 638 with arginine.
Molecular consequence: missense variant.
Genome position (GRCh38, 1-based): chr1:44,827,988, G>C on the plus strand (C>G on the coding strand, the complement: PTCH2 is on the minus strand). VCF-style: chr1-44827988-G-C. GRCh37 (hg19) VCF-style: chr1-45293660-G-C.
Other names: c.1913C>G (NM_003738.4); c.1913C>G, p.Pro638Arg (NM_001166292.2); short protein forms P638R.
Identifiers: ClinVar variation 1425640 (VCV001425640.9), dbSNP rs753624626, ClinGen allele CA823150.
Genomic context (GRCh38, chr1:44,827,988, plus strand): 5'-CAGGCTGCCTTCTGCCTTGTCTCCTCCTCCTGGCCTAGAAGGTCCCGTGTGGACCCTCCA[G>C]GGCTGAAGAGCTCAGAGCCCAGTGGGTCAGAAGGTGGGGGCACCAGGTGGGCTTGGGGAG-3'
Protein context (NP_003729.3, residues 628-648): SDPLGSELFS[Pro638Arg]GGSTRDLLGQ

ClinVar aggregate classification (germline): Uncertain significance. Review status: criteria provided, multiple submitters, no conflicts (2 of 4 stars). 2 submissions from 2 submitters: Uncertain significance (2). Last evaluated 2024-11-21.

Conditions:
Gorlin syndrome. Also called: Nevoid Basal Cell Carcinoma Syndrome; Basal cell nevus syndrome. Identifiers: Orphanet 377, MedGen C0004779, MONDO:0007187.

Allele frequency attached by ClinVar (database versions not stated): TOPMed below 0.00001; gnomAD 0.00001; gnomAD exomes 0.00001; ExAC 0.00002.
gnomAD v4.1: 21 of 1,614,070 alleles (0.0013%); highest among the groups gnomAD compares: East Asian, 0.045%; no homozygotes.

Submissions (2):

Ambry Genetics
Classification: Uncertain significance. Last evaluated: 2024-11-21. Review status: criteria provided, single submitter. Criteria: Ambry Variant Classification Scheme 2023. Collection method: clinical testing. Allele origin: germline.

Labcorp Genetics (formerly Invitae), Labcorp
Classification: Uncertain significance for Gorlin syndrome. Last evaluated: 2023-07-13. Review status: criteria provided, single submitter. Criteria: Invitae Variant Classification Sherloc (09022015). Collection method: clinical testing. Allele origin: germline.
Comment: In summary, the available evidence is currently insufficient to determine the role of this variant in disease. Therefore, it has been classified as a Variant of Uncertain Significance. Advanced modeling of protein sequence and biophysical properties (such as structural, functional, and spatial information, amino acid conservation, physicochemical variation, residue mobility, and thermodynamic stability) performed at Invitae indicates that this missense variant is not expected to disrupt PTCH2 protein function. ClinVar contains an entry for this variant (Variation ID: 1425640). This variant has not been reported in the literature in individuals affected with PTCH2-related conditions. This variant is present in population databases (rs753624626, gnomAD 0.02%). This sequence change replaces proline, which is neutral and non-polar, with arginine, which is basic and polar, at codon 638 of the PTCH2 protein (p.Pro638Arg).